The following is an entry in ClinVar:

ClinVar aggregate classification (germline): Pathogenic/Likely pathogenic. Review status: criteria provided, multiple submitters, no conflicts (2 of 4 stars). 4 submissions from 4 submitters: Pathogenic (2); Likely pathogenic (2). Last evaluated 2023-01-07.

Conditions:
Xeroderma pigmentosum (XP). Identifiers: Orphanet 910, MedGen C0043346, MONDO:0019600.
Xeroderma pigmentosum group A (XPA). Also called: XPA-Related Xeroderma Pigmentosum; Xeroderma pigmentosum, complementation group A; XP, group A. Identifiers: Orphanet 910, MedGen C0268135, MONDO:0010210, OMIM 278700.

Submissions (4):

Women's Health and Genetics/Laboratory Corporation of America, LabCorp
Classification: Likely pathogenic for Xeroderma pigmentosum. Last evaluated: 2023-01-07. Review status: criteria provided, single submitter. Criteria: LabCorp Variant Classification Summary - May 2015. Collection method: clinical testing. Allele origin: germline.
Comment: Variant summary: XPA c.759dupA (p.Asp254ArgfsX2) results in a premature termination codon and is predicted to cause a truncation of the encoded protein, which is a commonly known mechanism for disease. Although the variant is not predicted to result in absence of the protein through nonsense mediated decay, the variant is predicted to disrupt the last 17 amino acids in the protein sequence. Truncations downstream of this position have been classified as pathogenic by within ClinVar (e.g. c.772_785del [p.Arg258fs]). The variant allele was found at a frequency of 3.6e-05 in 251248 control chromosomes (gnomAD). To our knowledge, no occurrence of c.759dupA in individuals affected with Xeroderma Pigmentosum and no experimental evidence demonstrating its impact on protein function have been reported. One ClinVar submitter has assessed the variant since 2014: the variant was classified as pathogenic. Based on the evidence outlined above, the variant was classified as likely pathogenic.

Victorian Clinical Genetics Services, Murdoch Childrens Research Institute
Classification: Pathogenic for Xeroderma pigmentosum group A. Last evaluated: 2022-09-02. Review status: criteria provided, single submitter. Criteria: ACMG Guidelines, 2015. Collection method: clinical testing. Allele origin: germline. Inheritance: Autosomal recessive inheritance.
Comment: Based on the classification scheme VCGS_Germline_v0.6.1, this variant is classified as Pathogenic. Following criteria are met: 0102 - Loss-of-function is a known mechanism of disease for this gene. (N) 0106 - This gene is known to be associated with autosomal recessive disease. (N) 0205 - Variant is predicted to result in a truncated protein with less than 1/3 of the protein affected (exon 6 of 6). (P) 0304 - Variant is present in gnomAD <0.01 for a recessive condition (9 heterozygotes, 0 homozygotes). (P) 0601 - Variant affects at least one well-established (essential) functional domain or motif (PMID: 1601884). (P) 0703 - Comparable variants have moderate previous evidence for pathogenicity (ClinVar, PMID:20574439, 31478152). (P) 0807 - Variant has not previously been reported in a clinical context. (N) 0905 - No segregation evidence has been identified for this variant. (N) 1007 - No published functional evidence has been identified for this variant. (N) 1201 - Heterozygous variant detected in trans with a second (at least likely) pathogenic heterozygous variant in a recessive disease. (P) Legend: (P) - Pathogenic, (N) - Neutral, (B) - Benign

Labcorp Genetics (formerly Invitae), Labcorp
Classification: Pathogenic. Last evaluated: 2022-06-17. Review status: criteria provided, single submitter. Criteria: Invitae Variant Classification Sherloc (09022015). Collection method: clinical testing. Allele origin: germline.
Comment: For these reasons, this variant has been classified as Pathogenic. This variant disrupts a region of the XPA protein in which other variant(s) (p.Arg258Tyrfs*5) have been determined to be pathogenic (PMID: 31478152). This suggests that this is a clinically significant region of the protein, and that variants that disrupt it are likely to be disease-causing. This variant has not been reported in the literature in individuals affected with XPA-related conditions. This variant is present in population databases (rs777372873, gnomAD 0.009%). This sequence change creates a premature translational stop signal (p.Asp254Argfs*2) in the XPA gene. While this is not anticipated to result in nonsense mediated decay, it is expected to disrupt the last 20 amino acid(s) of the XPA protein.

Revvity Omics, Revvity
Classification: Likely pathogenic for Xeroderma pigmentosum group A. Last evaluated: 2022-03-31. Review status: criteria provided, single submitter. Criteria: ACMG Guidelines, 2015. Collection method: clinical testing. Allele origin: germline.

Literature cited by the submitters: PubMed 1601884 (cited by Victorian Clinical Genetics Services, Murdoch Childrens Research Institute); PubMed 20574439 (cited by Victorian Clinical Genetics Services, Murdoch Childrens Research Institute); PubMed 31478152 (cited by Victorian Clinical Genetics Services, Murdoch Childrens Research Institute and Labcorp Genetics (formerly Invitae), Labcorp).

NM_000380.4(XPA):c.759dup (p.Asp254fs)

Gene: XPA (XPA, DNA damage recognition and repair factor; minus strand). Cytogenetic location: 9q22.33.
Variant type: Duplication.
Coding change: c.759dup on transcript NM_000380.4 (MANE Select); coding-DNA position 759, one base duplicated (A; older notation c.759dupA).
Protein change: p.Asp254fs; shifts the reading frame from aspartic acid 254.
Molecular consequence: frameshift variant. On other transcripts: non-coding transcript variant (5).
Genome position (GRCh38, 1-based): chr9:97,675,502, T duplicated on the plus strand (A on the coding strand, the reverse complement: XPA is on the minus strand); the first of 2 consecutive T bases (chr9:97,675,502-97,675,503); duplicating either gives the same sequence. VCF-style (leftmost placement, unchanged base first): chr9-97675501-C-CT. GRCh37 (hg19) VCF-style: chr9-100437783-C-CT.
Other names: c.633dup, p.Asp212fs (NM_001354975.2); c.759dupA (NM_000380.3); c.759dup (NM_000380.3); short protein forms D212fs, D254fs.
Identifiers: ClinVar variation 1805592 (VCV001805592.12), dbSNP rs777372873, ClinGen allele CA5148685.